The following is an entry in ClinVar:

NM_020719.3(PRR12):c.903_909dup (p.Pro304fs)

Gene: PRR12 (proline rich 12; plus strand). Cytogenetic location: 19q13.33.
Variant type: Duplication.
Coding change: c.903_909dup on transcript NM_020719.3 (MANE Select); coding-DNA positions 903 to 909, 7 bases duplicated (ACCACCC; older notation c.903_909dupACCACCC).
Protein change: p.Pro304fs; shifts the reading frame from proline 304.
Molecular consequence: frameshift variant.
Genome position (GRCh38, 1-based): chr19:49,595,238-49,595,244, ACCACCC duplicated; duplicating any 7 consecutive bases within chr19:49,595,235-49,595,244 gives the same sequence; the c. name uses the placement nearest the transcript's 3' end. VCF-style (leftmost placement, unchanged base first): chr19-49595234-C-CCCCACCA. GRCh37 (hg19) VCF-style: chr19-50098491-C-CCCCACCA.
Other names: short protein forms P304fs.
Identifiers: ClinVar variation 446256 (VCV000446256.3), dbSNP rs1555740394, ClinGen allele CA658799262.

ClinVar aggregate classification (germline): Pathogenic. Review status: criteria provided, multiple submitters, no conflicts (2 of 4 stars). 2 submissions from 2 submitters: Pathogenic (2). Last evaluated 2023-11-10.

Conditions:
Neuroocular syndrome. Identifiers: MedGen C5551362, MONDO:0859193.
Autism (AUTS). Also called: Autistic disorder; Autistic disorder of childhood onset. Identifiers: MedGen C0004352, MeSH D001321, MONDO:0005260, OMIM 209850, HP:0000717.
Iris coloboma. Also called: Coloboma of iris. Identifiers: Orphanet 98944, MedGen C0240063, MONDO:0020356, HP:0000612.
Delayed speech and language development. Also called: Language delay. Identifiers: MedGen C0454644, HP:0000750.
Motor delay. Also called: Motor Developmental Delay; Motor retardation. Identifiers: MedGen C1854301, HP:0001270.
Abnormality of vision. Identifiers: MedGen C4025846, HP:0000504.

Submissions (2):

Daryl Scott Lab, Baylor College of Medicine
Classification: Pathogenic for Neuroocular syndrome 1. Last evaluated: 2023-11-10. Review status: criteria provided, single submitter. Criteria: ACMG Guidelines, 2015. Collection method: clinical testing. Allele origin: de novo. Affected: yes.

Baylor Genetics
Classification: Pathogenic for Abnormality of vision; Iris coloboma; Delayed speech and language development; Motor delay; Autism. Last evaluated: 2017-11-15. Review status: criteria provided, single submitter. Criteria: ACMG Guidelines, 2015. Collection method: clinical testing. Allele origin: de novo. Inheritance: Autosomal dominant inheritance. Affected: yes. Observed: 1 variant allele, 1 heterozygote.